The following is an entry in ClinVar:

ClinVar aggregate classification (germline): Uncertain significance. Review status: criteria provided, multiple submitters, no conflicts (2 of 4 stars). 2 submissions from 2 submitters: Uncertain significance (2). Last evaluated 2025-07-31.

Conditions:
Hereditary cancer-predisposing syndrome. Also called: Hereditary neoplastic syndrome; Neoplastic Syndromes, Hereditary; Tumor predisposition; Hereditary Cancer Syndrome. Identifiers: Orphanet 140162, MedGen C0027672, MeSH D009386, MONDO:0015356.
Familial adenomatous polyposis 1 (FAP1). Also called: POLYPOSIS, ADENOMATOUS INTESTINAL; FAMILIAL ADENOMATOUS POLYPOSIS 1, ATTENUATED. Identifiers: MedGen C2713442, MONDO:0021056, OMIM 175100. Disease mechanism: loss of function.

Submissions (2):

Labcorp Genetics (formerly Invitae), Labcorp
Classification: Uncertain significance for Familial adenomatous polyposis 1. Last evaluated: 2025-07-31. Review status: criteria provided, single submitter. Criteria: Invitae Variant Classification Sherloc (09022015). Collection method: clinical testing. Allele origin: germline.
Comment: This sequence change replaces aspartic acid, which is acidic and polar, with glycine, which is neutral and non-polar, at codon 651 of the APC protein (p.Asp651Gly). This variant is not present in population databases (gnomAD no frequency). This variant has not been reported in the literature in individuals affected with APC-related conditions. ClinVar contains an entry for this variant (Variation ID: 469722). Invitae Evidence Modeling of protein sequence and biophysical properties (such as structural, functional, and spatial information, amino acid conservation, physicochemical variation, residue mobility, and thermodynamic stability) indicates that this missense variant is not expected to disrupt APC protein function with a negative predictive value of 95%. In summary, the available evidence is currently insufficient to determine the role of this variant in disease. Therefore, it has been classified as a Variant of Uncertain Significance.

Ambry Genetics
Classification: Uncertain significance for Hereditary cancer-predisposing syndrome. Last evaluated: 2015-12-04. Review status: criteria provided, single submitter. Criteria: Ambry Variant Classification Scheme 2023. Collection method: clinical testing. Allele origin: germline.
Comment: The p.D651G variant (also known as c.1952A>G), located in coding exon 14 of the APC gene, results from an A to G substitution at nucleotide position 1952. The aspartic acid at codon 651 is replaced by glycine, an amino acid with similar properties. This variant was not reported in population based cohorts in the following databases: Database of Single Nucleotide Polymorphisms (dbSNP), NHLBI Exome Sequencing Project (ESP), and 1000 Genomes Project. In the ESP, this variant was not observed in 6502 samples (13004 alleles) with coverage at this position. To date, this alteration has been detected with an allele frequency of approximately 0.001% (greater than 70000 alleles tested) in our clinical cohort. This amino acid position is well conserved in available vertebrate species. In addition, in silico predictors for this gene do not accurately predict pathogenicity. Since supporting evidence is limited at this time, the clinical significance of p.D651G remains unclear.

NM_000038.6(APC):c.1952A>G (p.Asp651Gly)

Gene: APC (APC regulator of Wnt signaling pathway; plus strand). Cytogenetic location: 5q22.2.
Variant type: single nucleotide variant.
Coding change: c.1952A>G on transcript NM_000038.6 (MANE Select); coding-DNA position 1952, A replaced by G.
Protein change: p.Asp651Gly; replaces aspartic acid 651 with glycine.
Molecular consequence: missense variant.
Genome position (GRCh38, 1-based): chr5:112,835,159, A>G. VCF-style: chr5-112835159-A-G. GRCh37 (hg19) VCF-style: chr5-112170856-A-G.
Other names: c.1952A>G, p.Asp651Gly (NM_001127510.3, NM_001354895.2); c.1898A>G, p.Asp633Gly (NM_001127511.3); c.2006A>G, p.Asp669Gly (NM_001354896.2); c.1982A>G, p.Asp661Gly (NM_001354897.2); c.1877A>G, p.Asp626Gly (NM_001354898.2); c.1868A>G, p.Asp623Gly (NM_001354899.2); c.1829A>G, p.Asp610Gly (NM_001354900.2); c.1775A>G, p.Asp592Gly (NM_001354901.2); and 5 more; short protein forms D633G, D651G, D368G, D525G, D623G, D491G, D560G, D610G.
Identifiers: ClinVar variation 469722 (VCV000469722.17), dbSNP rs1554083260, ClinGen allele CA16025584.